The following is an entry in ClinVar:

ClinVar aggregate classification (germline): Uncertain significance. Review status: criteria provided, multiple submitters, no conflicts (2 of 4 stars). 4 submissions from 4 submitters: Uncertain significance (4). Last evaluated 2023-04-11.

Conditions:
Developmental and epileptic encephalopathy, 18 (DEE18). Also called: Early infantile epileptic encephalopathy 18. Identifiers: Orphanet 369894, MedGen C3809624, MONDO:0014201, OMIM 615476.

Allele frequency attached by ClinVar (database versions not stated): gnomAD exomes below 0.00001 and 0.00001; TOPMed 0.00001; gnomAD 0.00001; ExAC 0.00001.

Submissions (4):

Genome-Nilou Lab
Classification: Uncertain significance for Developmental and epileptic encephalopathy, 18. Last evaluated: 2023-04-11. Review status: criteria provided, single submitter. Criteria: ACMG Guidelines, 2015. Collection method: clinical testing. Allele origin: germline. Affected: no.

Labcorp Genetics (formerly Invitae), Labcorp
Classification: Uncertain significance. Last evaluated: 2022-06-13. Review status: criteria provided, single submitter. Criteria: Invitae Variant Classification Sherloc (09022015). Collection method: clinical testing. Allele origin: germline.
Comment: This variant is present in population databases (rs751947230, gnomAD 0.0009%). This sequence change replaces arginine, which is basic and polar, with cysteine, which is neutral and slightly polar, at codon 3287 of the SZT2 protein (p.Arg3287Cys). This variant has not been reported in the literature in individuals affected with SZT2-related conditions. ClinVar contains an entry for this variant (Variation ID: 498224). Algorithms developed to predict the effect of missense changes on protein structure and function (SIFT, PolyPhen-2, Align-GVGD) all suggest that this variant is likely to be disruptive. In summary, the available evidence is currently insufficient to determine the role of this variant in disease. Therefore, it has been classified as a Variant of Uncertain Significance.

GeneDx
Classification: Uncertain significance. Last evaluated: 2019-05-24. Review status: criteria provided, single submitter. Criteria: GeneDx Variant Classification Process June 2021. Collection method: clinical testing. Allele origin: germline. Affected: yes.
Comment: Not observed at a significant frequency in large population cohorts (Lek et al., 2016); In silico analysis, which includes protein predictors and evolutionary conservation, supports a deleterious effect; Has not been previously published as pathogenic or benign to our knowledge

Eurofins Ntd Llc (ga)
Classification: Uncertain significance. Last evaluated: 2016-11-11. Review status: criteria provided, single submitter. Criteria: EGL Classification Definitions 2015. Collection method: clinical testing. Allele origin: germline. Observed: 3 variant alleles, 1 heterozygote.

NM_001365999.1(SZT2):c.10030C>T (p.Arg3344Cys)

Gene: SZT2 (SZT2 subunit of KICSTOR complex; plus strand). Cytogenetic location: 1p34.2.
Variant type: single nucleotide variant.
Coding change: c.10030C>T on transcript NM_001365999.1 (MANE Select); coding-DNA position 10030, C replaced by T.
Protein change: p.Arg3344Cys; replaces arginine 3344 with cysteine.
Molecular consequence: missense variant.
Genome position (GRCh38, 1-based): chr1:43,448,672, C>T. VCF-style: chr1-43448672-C-T. GRCh37 (hg19) VCF-style: chr1-43914343-C-T.
Other names: c.9859C>T, p.Arg3287Cys (NM_015284.4); short protein forms R3287C, R3344C.
Identifiers: ClinVar variation 498224 (VCV000498224.13), dbSNP rs751947230, ClinGen allele CA811064.